The following is an entry in ClinVar:

ClinVar aggregate classification (germline): Uncertain significance (1 of 4 stars; one submission).

Conditions:
Autosomal recessive limb-girdle muscular dystrophy type 2A (LGMDR1). Also called: LEYDEN-MOEBIUS MUSCULAR DYSTROPHY; MUSCULAR DYSTROPHY, PELVOFEMORAL; Limb-girdle muscular dystrophy, type 2A; Calpainopathy; Muscular dystrophy, limb-girdle, type 2A, Amish. Identifiers: Orphanet 267, MedGen C1869123, MONDO:0009675, OMIM 253600. Disease mechanism: loss of function.

gnomAD v4.1: 1 of 1,601,750 alleles (0.000062%); highest among the groups gnomAD compares: Admixed American, 0.0018%; no homozygotes.

Submission:

Labcorp Genetics (formerly Invitae), Labcorp
Classification: Uncertain significance for Autosomal recessive limb-girdle muscular dystrophy type 2A. Last evaluated: 2023-11-03. Review status: criteria provided, single submitter. Criteria: Invitae Variant Classification Sherloc (09022015). Collection method: clinical testing. Allele origin: germline.
Comment: This sequence change replaces methionine, which is neutral and non-polar, with lysine, which is basic and polar, at codon 666 of the CAPN3 protein (p.Met666Lys). This variant is not present in population databases (gnomAD no frequency). This variant has not been reported in the literature in individuals affected with CAPN3-related conditions. Advanced modeling of protein sequence and biophysical properties (such as structural, functional, and spatial information, amino acid conservation, physicochemical variation, residue mobility, and thermodynamic stability) performed at Invitae indicates that this missense variant is not expected to disrupt CAPN3 protein function with a negative predictive value of 80%. In summary, the available evidence is currently insufficient to determine the role of this variant in disease. Therefore, it has been classified as a Variant of Uncertain Significance.

NM_000070.3(CAPN3):c.1997T>A (p.Met666Lys)

Gene: CAPN3 (calpain 3; plus strand). Cytogenetic location: 15q15.1.
Variant type: single nucleotide variant.
Coding change: c.1997T>A on transcript NM_000070.3 (MANE Select); coding-DNA position 1997, T replaced by A.
Protein change: p.Met666Lys; replaces methionine 666 with lysine.
Molecular consequence: missense variant. On other transcripts: initiator codon variant (2).
Genome position (GRCh38, 1-based): chr15:42,409,791, T>A. VCF-style: chr15-42409791-T-A. GRCh37 (hg19) VCF-style: chr15-42701989-T-A.
Other names: c.1979T>A, p.Met660Lys (NM_024344.2); c.1721T>A, p.Met574Lys (NM_173087.2); c.461T>A, p.Met154Lys (NM_173088.2); c.2T>A, p.Met1Lys (NM_173089.2, NM_173090.2); c.*1095T>A (NM_212464.2); c.*1672T>A (NM_212467.2); short protein forms M660K, M154K, M1K, M574K, M666K.
Identifiers: ClinVar variation 2771840 (VCV002771840.3), dbSNP rs1261674189, ClinGen allele CA392001324.
Genomic context (GRCh38, chr15:42,409,791, plus strand): 5'-CGCGCCAGGAGCTGCTGTACTCCTGAACCATGACCCTCCTCTCCCTTCCTCCTCAGGACA[T>A]GGAGATCTGTGCAGATGAGCTCAAGAAGGTCCTTAACACAGTCGTGAACAAACGTGAGTT-3'
Protein context (NP_000061.1, residues 656-676): NIFKQIAGDD[Met666Lys]EICADELKKV